The following is an entry in ClinVar:

NM_001077653.2(TBX20):c.1144C>A (p.Pro382Thr)

Gene: TBX20 (T-box transcription factor 20; minus strand). Cytogenetic location: 7p14.2.
Variant type: single nucleotide variant.
Coding change: c.1144C>A on transcript NM_001077653.2 (MANE Select); coding-DNA position 1144, C replaced by A.
Protein change: p.Pro382Thr; replaces proline 382 with threonine.
Molecular consequence: missense variant.
Genome position (GRCh38, 1-based): chr7:35,202,630, G>T on the plus strand (C>A on the coding strand, the complement: TBX20 is on the minus strand). VCF-style: chr7-35202630-G-T. GRCh37 (hg19) VCF-style: chr7-35242242-G-T.
Other names: short protein forms P382T.
Identifiers: ClinVar variation 4764662 (VCV004764662.1).

ClinVar aggregate classification (germline): Uncertain significance (1 of 4 stars; one submission).

gnomAD v4.1: 5 of 1,613,936 alleles (0.00031%); highest among the groups gnomAD compares: Non-Finnish European, 0.00042%; no homozygotes.

Submission:

Labcorp Genetics (formerly Invitae), Labcorp
Classification: Uncertain significance. Last evaluated: 2025-11-17. Review status: criteria provided, single submitter. Criteria: Invitae Variant Classification Sherloc (09022015). Collection method: clinical testing. Allele origin: germline.
Comment: This sequence change replaces proline, which is neutral and non-polar, with threonine, which is neutral and polar, at codon 382 of the TBX20 protein (p.Pro382Thr). This variant is present in population databases (no rsID available, gnomAD 0.0009%). This variant has not been reported in the literature in individuals affected with TBX20-related conditions. Invitae Evidence Modeling of protein sequence and biophysical properties (such as structural, functional, and spatial information, amino acid conservation, physicochemical variation, residue mobility, and thermodynamic stability) indicates that this missense variant is not expected to disrupt TBX20 protein function with a negative predictive value of 80%. In summary, the available evidence is currently insufficient to determine the role of this variant in disease. Therefore, it has been classified as a Variant of Uncertain Significance.